The following is an entry in ClinVar:

ClinVar aggregate classification (germline): Pathogenic (1 of 4 stars; one submission).

Conditions:
Multiple congenital exostosis (EXT). Also called: Multiple exostoses; Hereditary multiple exostoses; Hereditary multiple exostosis; Hereditary multiple osteochondromas; MULTIPLE CARTILAGINOUS EXOSTOSES; Multiple osteochondromas. Identifiers: Orphanet 321, MedGen C0015306, MONDO:0005508, HP:0002762.

Submission:

Labcorp Genetics (formerly Invitae), Labcorp
Classification: Pathogenic for Multiple congenital exostosis. Last evaluated: 2019-05-21. Review status: criteria provided, single submitter. Criteria: Invitae Variant Classification Sherloc (09022015). Collection method: clinical testing. Allele origin: germline.
Comment: For these reasons, this variant has been classified as Pathogenic. Loss-of-function variants in EXT1 are known to be pathogenic (PMID: 10679937, 11391482, 19810120). This variant has not been reported in the literature in individuals with EXT1-related conditions. This variant is not present in population databases (ExAC no frequency). This sequence change creates a premature translational stop signal (p.Arg384Ilefs*16) in the EXT1 gene. It is expected to result in an absent or disrupted protein product.

Literature cited by the submitters: PubMed 10679937; PubMed 11391482; PubMed 19810120.

NM_000127.3(EXT1):c.1151_1152del (p.Arg384fs)

Gene: EXT1 (exostosin glycosyltransferase 1; minus strand). Cytogenetic location: 8q24.11.
Variant type: Microsatellite.
Coding change: c.1151_1152del on transcript NM_000127.3 (MANE Select); coding-DNA positions 1151 to 1152, 2 bases deleted (GA; older notation c.1151_1152delGA).
Protein change: p.Arg384fs; shifts the reading frame from arginine 384.
Molecular consequence: frameshift variant.
Genome position (GRCh38, 1-based): chr8:117,835,456-117,835,457, TC deleted on the plus strand (GA on the coding strand, the reverse complement: EXT1 is on the minus strand); deleting any 2 consecutive bases within chr8:117,835,456-117,835,461 gives the same sequence; the c. name uses the placement nearest the transcript's 3' end. VCF-style (leftmost placement, unchanged base first): chr8-117835455-ATC-A. GRCh37 (hg19) VCF-style: chr8-118847694-ATC-A.
Other names: short protein forms R384fs.
Identifiers: ClinVar variation 941386 (VCV000941386.7), dbSNP rs1812173037, ClinGen allele CA1813956681.